The following is an entry in ClinVar:

ClinVar aggregate classification (germline): Uncertain significance. Review status: criteria provided, multiple submitters, no conflicts (2 of 4 stars). 2 submissions from 2 submitters: Uncertain significance (2). Last evaluated 2023-11-21.

Conditions:
Inborn genetic diseases. Identifiers: MedGen C0950123, MeSH D030342.

Allele frequency attached by ClinVar (database versions not stated): TOPMed below 0.00001; ExAC 0.00001; gnomAD 0.00001; gnomAD exomes 0.00001.

Submissions (2):

Ambry Genetics
Classification: Uncertain significance for Inborn genetic diseases. Last evaluated: 2023-11-21. Review status: criteria provided, single submitter. Criteria: Ambry Variant Classification Scheme 2023. Collection method: clinical testing. Allele origin: germline.

Labcorp Genetics (formerly Invitae), Labcorp
Classification: Uncertain significance. Last evaluated: 2022-07-06. Review status: criteria provided, single submitter. Criteria: Invitae Variant Classification Sherloc (09022015). Collection method: clinical testing. Allele origin: germline.
Comment: This sequence change replaces valine, which is neutral and non-polar, with alanine, which is neutral and non-polar, at codon 150 of the TPP1 protein (p.Val150Ala). This variant is present in population databases (rs780755290, gnomAD 0.02%). This variant has not been reported in the literature in individuals affected with TPP1-related conditions. ClinVar contains an entry for this variant (Variation ID: 1379311). Advanced modeling of protein sequence and biophysical properties (such as structural, functional, and spatial information, amino acid conservation, physicochemical variation, residue mobility, and thermodynamic stability) performed at Invitae indicates that this missense variant is not expected to disrupt TPP1 protein function. In summary, the available evidence is currently insufficient to determine the role of this variant in disease. Therefore, it has been classified as a Variant of Uncertain Significance.

NM_000391.4(TPP1):c.449T>C (p.Val150Ala)

Gene: TPP1 (tripeptidyl peptidase 1; minus strand). Cytogenetic location: 11p15.4.
Variant type: single nucleotide variant.
Coding change: c.449T>C on transcript NM_000391.4 (MANE Select); coding-DNA position 449, T replaced by C.
Protein change: p.Val150Ala; replaces valine 150 with alanine.
Molecular consequence: missense variant.
Genome position (GRCh38, 1-based): chr11:6,617,360, A>G on the plus strand (T>C on the coding strand, the complement: TPP1 is on the minus strand). VCF-style: chr11-6617360-A-G. GRCh37 (hg19) VCF-style: chr11-6638591-A-G.
Other names: c.449T>C (NM_000391.3); short protein forms V150A.
Identifiers: ClinVar variation 1379311 (VCV001379311.4), dbSNP rs780755290, ClinGen allele CA5858949.
Genomic context (GRCh38, chr11:6,617,360, plus strand): 5'-CCAAAGTCCACATGGGGGGCCAAGGCCTGTGGAAGCTGGTAGGGATGTGGGGACCTTACA[A>G]CATGGGTTTCCGTAGGTCCTCCCACATAGTGATGAAACTCAGCCCCAGGGAGCAGCAGCT-3'
Protein context (NP_000382.3, residues 140-160): HYVGGPTETH[Val150Ala]VRSPHPYQLP